The following is an entry in ClinVar:

NM_032242.4(PLXNA1):c.3385G>A (p.Val1129Ile)

Gene: PLXNA1 (plexin A1; plus strand). Cytogenetic location: 3q21.3.
Variant type: single nucleotide variant.
Coding change: c.3385G>A on transcript NM_032242.4 (MANE Select); coding-DNA position 3385, G replaced by A.
Protein change: p.Val1129Ile; replaces valine 1129 with isoleucine.
Molecular consequence: missense variant.
Genome position (GRCh38, 1-based): chr3:127,017,533, G>A. VCF-style: chr3-127017533-G-A. GRCh37 (hg19) VCF-style: chr3-126736376-G-A.
Other names: short protein forms V1129I.
Identifiers: ClinVar variation 4988876 (VCV004988876.1).

ClinVar aggregate classification (germline): Uncertain significance (1 of 4 stars; one submission).

Conditions:
PLXNA1-related disorder. Also called: PLXNA1-related condition.

gnomAD v4.1: 18 of 1,613,528 alleles (0.0011%); highest among the groups gnomAD compares: Non-Finnish European, 0.0014%; no homozygotes.

Submission:

PreventionGenetics, part of Exact Sciences
Classification: Uncertain significance for PLXNA1-related condition. Last evaluated: 2025-09-15. Review status: criteria provided, single submitter. Criteria: ACMG Guidelines, 2015. Collection method: clinical testing. Allele origin: germline.
Comment: The PLXNA1 c.3385G>A variant is predicted to result in the amino acid substitution p.Val1129Ile. To our knowledge, this variant has not been reported in the literature. This variant is reported in 0.0018% of alleles in individuals of European (Non-Finnish) descent in gnomAD. At this time, the clinical significance of this variant is uncertain due to the absence of conclusive functional and genetic evidence.